The following is an entry in ClinVar:

NM_001042492.3(NF1):c.653dup (p.Ala219fs)

Gene: NF1 (neurofibromin 1; plus strand). Cytogenetic location: 17q11.2.
Variant type: Duplication.
Coding change: c.653dup on transcript NM_001042492.3 (MANE Select); coding-DNA position 653, one base duplicated (A; older notation c.653dupA).
Protein change: p.Ala219fs; shifts the reading frame from alanine 219.
Molecular consequence: frameshift variant.
Genome position (GRCh38, 1-based): chr17:31,181,488, A duplicated; the last of 4 consecutive A bases (chr17:31,181,485-31,181,488); duplicating any one gives the same sequence. VCF-style (leftmost placement, unchanged base first): chr17-31181484-G-GA. GRCh37 (hg19) VCF-style: chr17-29508502-G-GA.
Other names: c.653dupA (NM_001042492.2); c.653dup, p.Ala219Glyfs (NM_000267.4); c.653dup, p.Ala219fs (NM_001128147.3); short protein forms A219fs.
Identifiers: ClinVar variation 428973 (VCV000428973.10), dbSNP rs1131691094, ClinGen allele CA645369651.

ClinVar aggregate classification (germline): Pathogenic. Review status: criteria provided, multiple submitters, no conflicts (2 of 4 stars). 3 submissions from 3 submitters: Pathogenic (3). Last evaluated 2022-03-15.

Conditions:
Hereditary cancer-predisposing syndrome. Also called: Hereditary neoplastic syndrome; Tumor predisposition; Neoplastic Syndromes, Hereditary; Hereditary Cancer Syndrome. Identifiers: Orphanet 140162, MedGen C0027672, MeSH D009386, MONDO:0015356.
Neurofibromatosis, type 1 (NF1). Also called: Neurofibromatosis, type I; NEUROFIBROMATOSIS, TYPE I, SOMATIC; Peripheral type neurofibromatosis; VON RECKLINGHAUSEN DISEASE. Identifiers: Orphanet 636, MedGen C0027831, MONDO:0018975, OMIM 162200. Disease mechanism: loss of function.

Submissions (3):

Genome-Nilou Lab
Classification: Pathogenic for Neurofibromatosis, type 1. Last evaluated: 2022-03-15. Review status: criteria provided, single submitter. Criteria: ACMG Guidelines, 2015. Collection method: clinical testing. Allele origin: germline. Affected: no.

Labcorp Genetics (formerly Invitae), Labcorp
Classification: Pathogenic for Neurofibromatosis, type 1. Last evaluated: 2021-11-30. Review status: criteria provided, single submitter. Criteria: Invitae Variant Classification Sherloc (09022015). Collection method: clinical testing. Allele origin: germline.
Comment: This sequence change creates a premature translational stop signal (p.Ala219Glyfs*12) in the NF1 gene. It is expected to result in an absent or disrupted protein product. Loss-of-function variants in NF1 are known to be pathogenic (PMID: 10712197, 23913538). This variant is not present in population databases (gnomAD no frequency). This premature translational stop signal has been observed in individual(s) with neurofibromatosis type 1 (PMID: 20927530). It has also been observed to segregate with disease in related individuals. This variant is also known as c.654insA. ClinVar contains an entry for this variant (Variation ID: 428973). For these reasons, this variant has been classified as Pathogenic.

Ambry Genetics
Classification: Pathogenic for Hereditary cancer-predisposing syndrome. Last evaluated: 2015-09-10. Review status: criteria provided, single submitter. Criteria: Ambry Autosomal Dominant and X-Linked criteria (10/2015). Collection method: clinical testing. Allele origin: germline. Observed: 1 variant allele.
Comment: The c.653dupA pathogenic mutation, located in coding exon 6 of the NF1 gene, results from a duplication of A at nucleotide position 653, causing a translational frameshift with a predicted alternate stop codon. Since frameshifts are typically deleterious in nature, this alteration is interpreted as a disease-causing mutation (ACMG Recommendations for Standards for Interpretation and Reporting of Sequence Variations. Revision 2007. Genet Med. 2008;10:294).

Literature cited by the submitters: PubMed 10712197 (cited by Labcorp Genetics (formerly Invitae), Labcorp); PubMed 23913538 (cited by Labcorp Genetics (formerly Invitae), Labcorp); PubMed 20927530 (cited by Labcorp Genetics (formerly Invitae), Labcorp).